The following is an entry in ClinVar:

NM_001199397.3(NEK1):c.2587+3A>G

Gene: NEK1 (NIMA related kinase 1; minus strand). Cytogenetic location: 4q33.
Variant type: single nucleotide variant.
Coding change: c.2587+3A>G on transcript NM_001199397.3 (MANE Select); 3 bases into the intron after coding-DNA position 2587, A replaced by G.
Molecular consequence: intron variant.
Genome position (GRCh38, 1-based): chr4:169,463,240, T>C on the plus strand (A>G on the coding strand, the complement: NEK1 is on the minus strand). VCF-style: chr4-169463240-T-C. GRCh37 (hg19) VCF-style: chr4-170384391-T-C.
Other names: c.2281+3A>G (NM_001374421.1); c.2452+3A>G (NM_001374420.1); c.2296+3A>G (NM_001199399.3); c.2455+3A>G (NM_001199398.3); c.2503+3A>G (NM_001374419.1, NM_012224.4); c.2371+3A>G (NM_001199400.3); c.2587+3A>G (NM_001374418.1).
Identifiers: ClinVar variation 3008103 (VCV003008103.3), dbSNP rs745732931, ClinGen allele CA3137378.

ClinVar aggregate classification (germline): Uncertain significance (1 of 4 stars; one submission).

Conditions:
Short-rib thoracic dysplasia 6 with or without polydactyly (SRTD6). Also called: SHORT RIB-POLYDACTYLY SYNDROME, TYPE IIA; SHORT-RIB THORACIC DYSPLASIA 6 WITH POLYDACTYLY; SHORT-RIB THORACIC DYSPLASIA 6 WITHOUT POLYDACTYLY; POLYDACTYLY WITH NEONATAL CHONDRODYSTROPHY, TYPE II; Majewski Syndrome. Identifiers: MedGen C0024507, MONDO:0009894, OMIM 263520.

Allele frequency attached by ClinVar (database versions not stated): gnomAD exomes below 0.00001; ExAC 0.00001; TOPMed 0.00002; gnomAD 0.00003.
gnomAD v4.1: 8 of 1,495,808 alleles (0.00053%); highest among the groups gnomAD compares: Admixed American, 0.014%; no homozygotes.

Submission:

Labcorp Genetics (formerly Invitae), Labcorp
Classification: Uncertain significance for Short-rib thoracic dysplasia 6 with or without polydactyly. Last evaluated: 2024-06-13. Review status: criteria provided, single submitter. Criteria: Invitae Variant Classification Sherloc (09022015). Collection method: clinical testing. Allele origin: germline.
Comment: This sequence change falls in intron 25 of the NEK1 gene. It does not directly change the encoded amino acid sequence of the NEK1 protein. It affects a nucleotide within the consensus splice site. This variant is present in population databases (rs745732931, gnomAD 0.004%). This variant has not been reported in the literature in individuals affected with NEK1-related conditions. Variants that disrupt the consensus splice site are a relatively common cause of aberrant splicing (PMID: 17576681, 9536098). Algorithms developed to predict the effect of sequence changes on RNA splicing suggest that this variant is not likely to affect RNA splicing. In summary, the available evidence is currently insufficient to determine the role of this variant in disease. Therefore, it has been classified as a Variant of Uncertain Significance.

Literature cited by the submitters: PubMed 17576681; PubMed 9536098.